The following is an entry in ClinVar:

ClinVar aggregate classification (germline): Likely pathogenic (1 of 4 stars; one submission).

Conditions:
Fanconi anemia complementation group G. Also called: FANCG-Related Fanconi Anemia; Fanconi anemia group G. Identifiers: Orphanet 84, MedGen C3469527, MONDO:0013565, OMIM 614082.

Submission:

Natera, Inc.
Classification: Likely pathogenic for Fanconi anemia group G. Last evaluated: 2025-12-19. Review status: criteria provided, single submitter. Criteria: Natera Variant Classification Schema (03/2026). Collection method: clinical testing. Allele origin: germline.
Comment: The c.373_374del variant in FANCG is a frameshift variant predicted to shift the reading frame beginning at codon 125 and leads to a stop codon 29 codons downstream. This variant is expected to result in nonsense mediated decay, truncation, or a dysfunctional protein product. This variant is rare in the general population with a frequency below the threshold expected for the associated phenotype(s). Given the available evidence, this variant is classified as Likely Pathogenic.

NM_004629.2(FANCG):c.373_374del (p.Val125fs)

Gene: FANCG (FA complementation group G; minus strand). Cytogenetic location: 9p13.3.
Variant type: Deletion.
Coding change: c.373_374del on transcript NM_004629.2 (MANE Select); coding-DNA positions 373 to 374, 2 bases deleted (GT; older notation c.373_374delGT).
Protein change: p.Val125fs; shifts the reading frame from valine 125.
Molecular consequence: frameshift variant.
Genome position (GRCh38, 1-based): chr9:35,078,277-35,078,278, AC deleted on the plus strand (GT on the coding strand, the reverse complement: FANCG is on the minus strand); deleting any 2 consecutive bases within chr9:35,078,277-35,078,279 gives the same sequence; the c. name uses the placement nearest the transcript's 3' end. VCF-style (leftmost placement, unchanged base first): chr9-35078276-GAC-G. GRCh37 (hg19) VCF-style: chr9-35078273-GAC-G.
Other names: c.372_373delTG, p.Val125Profs (NM_004629.1); short protein forms V125fs.
Identifiers: ClinVar variation 4815373 (VCV004815373.1).
Genomic context (GRCh38, chr9:35,078,276, plus strand): 5'-CAGGCCAACCAGGCGGTGCAGGGCAGACAGCAGCTCCGGCAGAAGGCAGGAAGCACGAAG[GAC>G]AGAGTCCCACAGCTCCCTGAGCCCCTGTTCCAACCTGGGCCCCTGCTGCTCCTGTGTCTC-3'